The following is an entry in ClinVar:

NM_138959.3(VANGL1):c.346G>A (p.Ala116Thr)

Gene: VANGL1 (VANGL planar cell polarity protein 1; plus strand). Cytogenetic location: 1p13.1.
Variant type: single nucleotide variant.
Coding change: c.346G>A on transcript NM_138959.3 (MANE Select); coding-DNA position 346, G replaced by A.
Protein change: p.Ala116Thr; replaces alanine 116 with threonine.
Molecular consequence: missense variant.
Genome position (GRCh38, 1-based): chr1:115,663,802, G>A. VCF-style: chr1-115663802-G-A. GRCh37 (hg19) VCF-style: chr1-116206423-G-A.
Other names: c.340G>A, p.Ala114Thr (NM_001172411.2); c.346G>A, p.Ala116Thr (NM_001172412.2); short protein forms A116T, A114T.
Identifiers: ClinVar variation 292005 (VCV000292005.9), dbSNP rs4839469, ClinGen allele CA1023224.

ClinVar aggregate classification (germline): Benign. Review status: criteria provided, multiple submitters, no conflicts (2 of 4 stars). 4 submissions from 3 submitters: Benign (4). Last evaluated 2018-11-12.

Conditions:
Sacral defect with anterior meningocele. Identifiers: MedGen C1838568, OMIM 600145.
Neural tube defect (NTD). Also called: Neural tube defects. Identifiers: Orphanet 3388, Orphanet 823, MedGen C0027794, MONDO:0018075, HP:0045005.

Allele frequency attached by ClinVar (database versions not stated): 1000 Genomes Project 0.11502; 1000 Genomes Project 30x 0.11571; ESP Exome Variant Server 0.12410; gnomAD 0.12596 and 0.12684; TOPMed 0.13645; ExAC 0.14210; gnomAD exomes 0.15049.
gnomAD v4.1: 236,718 of 1,614,090 alleles (15%); highest among the groups gnomAD compares: Admixed American, 25%; 18,427 homozygotes.

Submissions (4):

GeneDx
Classification: Benign. Last evaluated: 2018-11-12. Review status: criteria provided, single submitter. Criteria: GeneDx Variant Classification Process June 2021. Collection method: clinical testing. Allele origin: germline. Affected: yes.
Comment: This variant is associated with the following publications: (PMID: 21085059)

Illumina Laboratory Services, Illumina
Classification: Benign for Sacral defect with anterior meningocele. Last evaluated: 2018-01-12. Review status: criteria provided, single submitter. Criteria: ICSL Variant Classification Criteria 13 December 2019. Collection method: clinical testing. Allele origin: germline.
Comment: This variant was observed in the ICSL laboratory as part of a predisposition screen in an ostensibly healthy population. It had not been previously curated by ICSL or reported in the Human Gene Mutation Database (HGMD: prior to June 1st, 2018), and was therefore a candidate for classification through an automated scoring system. Utilizing variant allele frequency, disease prevalence and penetrance estimates, and inheritance mode, an automated score was calculated to assess if this variant is too frequent to cause the disease. Based on the score and internal cut-off values, a variant classified as benign is not then subjected to further curation. The score for this variant resulted in a classification of benign for this disease.

Illumina Laboratory Services, Illumina
Classification: Benign for Neural tube defects, susceptibility to. Last evaluated: 2018-01-12. Review status: criteria provided, single submitter. Criteria: ICSL Variant Classification Criteria 13 December 2019. Collection method: clinical testing. Allele origin: germline.
Comment: the same text as in the submission from Illumina Laboratory Services, Illumina above.

Breakthrough Genomics
Classification: Benign. Review status: criteria provided, single submitter. Criteria: ACMG Guidelines, 2015. Collection method: not provided. Allele origin: germline. Inheritance: Autosomal dominant inheritance. Affected: yes.